The following is an entry in ClinVar:

ClinVar aggregate classification (germline): Uncertain significance. Review status: criteria provided, multiple submitters, no conflicts (2 of 4 stars). 4 submissions from 4 submitters: Uncertain significance (3). 1 of the submissions does not count toward it. Last evaluated 2022-05-17.

Conditions:
Usher syndrome type 1D (USH1D). Also called: USHER SYNDROME, TYPE ID. Identifiers: Orphanet 231169, Orphanet 886, MedGen C1832845, MONDO:0010984, OMIM 601067.
Usher syndrome type 1F (USH1F). Also called: USHER SYNDROME, TYPE IF. Identifiers: Orphanet 231169, Orphanet 886, MedGen C1865885, MONDO:0011186, OMIM 602083.
Autosomal recessive nonsyndromic hearing loss 23. Identifiers: Orphanet 90636, MedGen C1836027, MONDO:0012293, OMIM 609533.

Allele frequency attached by ClinVar (database versions not stated): ExAC 0.00007; gnomAD exomes 0.00004 and 0.00007; gnomAD 0.00005 and 0.00006.
gnomAD v4.1: 105 of 1,584,130 alleles (0.0066%); highest among the groups gnomAD compares: African/African-American, 0.014%; no homozygotes.

Submissions (4):

Blueprint Genetics
Classification: Uncertain significance. Last evaluated: 2022-05-17. Review status: criteria provided, single submitter. Criteria: ACMG Guidelines, 2015. Collection method: clinical testing. Allele origin: germline.

Labcorp Genetics (formerly Invitae), Labcorp
Classification: Uncertain significance. Last evaluated: 2022-02-11. Review status: criteria provided, single submitter. Criteria: Invitae Variant Classification Sherloc (09022015). Collection method: clinical testing. Allele origin: germline.
Comment: This sequence change replaces threonine, which is neutral and polar, with proline, which is neutral and non-polar, at codon 1794 of the PCDH15 protein (p.Thr1794Pro). This variant is present in population databases (rs748917362, gnomAD 0.01%). This variant has not been reported in the literature in individuals affected with PCDH15-related conditions. ClinVar contains an entry for this variant (Variation ID: 989773). Algorithms developed to predict the effect of missense changes on protein structure and function output the following: SIFT: "Tolerated"; PolyPhen-2: "Not Available"; Align-GVGD: "Class C0". The proline amino acid residue is found in multiple mammalian species, which suggests that this missense change does not adversely affect protein function. In summary, the available evidence is currently insufficient to determine the role of this variant in disease. Therefore, it has been classified as a Variant of Uncertain Significance.

Fulgent Genetics
Classification: Uncertain significance for Usher syndrome type 1D; Usher syndrome type 1F; Autosomal recessive nonsyndromic hearing loss 23. Last evaluated: 2021-12-30. Review status: criteria provided, single submitter. Criteria: ACMG Guidelines, 2015. Collection method: clinical testing. Allele origin: unknown.

Natera, Inc.
Classification: Uncertain significance for Usher syndrome type 1F. Last evaluated: 2020-04-14. Review status: no assertion criteria provided. Collection method: clinical testing. Allele origin: germline. Not counted in ClinVar's aggregate classification.

NM_033056.4(PCDH15):c.5380A>C (p.Thr1794Pro)

Gene: PCDH15 (protocadherin related 15; minus strand). Cytogenetic location: 10q21.1.
Variant type: single nucleotide variant.
Coding change: c.5380A>C on transcript NM_033056.4 (MANE Plus Clinical); coding-DNA position 5380, A replaced by C.
Protein change: p.Thr1794Pro; replaces threonine 1794 with proline.
Molecular consequence: missense variant. On other transcripts: intron variant (8).
Genome position (GRCh38, 1-based): chr10:53,822,346, T>G on the plus strand (A>C on the coding strand, the complement: PCDH15 is on the minus strand). VCF-style: chr10-53822346-T-G. GRCh37 (hg19) VCF-style: chr10-55582106-T-G.
Other names: c.5401A>C, p.Thr1801Pro (NM_001142763.2); c.5386A>C, p.Thr1796Pro (NM_001142764.2); c.5173A>C, p.Thr1725Pro (NM_001142765.2); c.5371A>C, p.Thr1791Pro (NM_001142766.2); c.5260A>C, p.Thr1754Pro (NM_001142767.2); c.5320A>C, p.Thr1774Pro (NM_001142768.2); c.5311A>C, p.Thr1771Pro (NM_001142773.2); c.5314A>C, p.Thr1772Pro (NM_001354404.2); and 7 more; short protein forms T1725P, T1754P, T1771P, T1772P, T1774P, T1791P, T1794P, T1796P.
Identifiers: ClinVar variation 989773 (VCV000989773.5), dbSNP rs748917362, ClinGen allele CA5505054.
Genomic context (GRCh38, chr10:53,822,346, plus strand): 5'-ATGGAGGTAGAAGAGGTGGTGTTGGGGGACCAGACGTTGAAACGGAAAGTGGAAAAAATG[T>G]AGGAGGAGGAAGAGGAAGAGGGATAGAAGGAGGAGAGGGAGGAGGACAAAAAAGAGAAAA-3'
Protein context (NP_149045.3, residues 1784-1804): PSIPLPLPPP[Thr1794Pro]FFPLSVSTSG